The following is an entry in ClinVar:

ClinVar aggregate classification (germline): Uncertain significance (1 of 4 stars; one submission).

Submission:

GeneDx
Classification: Uncertain significance. Last evaluated: 2023-06-26. Review status: criteria provided, single submitter. Criteria: GeneDx Variant Classification Process June 2021. Collection method: clinical testing. Allele origin: germline. Affected: yes.
Comment: Not observed at significant frequency in large population cohorts (gnomAD); In silico analysis supports that this missense variant has a deleterious effect on protein structure/function; This variant is associated with the following publications: (PMID: 28578020, 34032358)

NM_001009944.3(PKD1):c.6018G>C (p.Trp2006Cys)

Gene: PKD1 (polycystin 1, transient receptor potential channel interacting; minus strand). Cytogenetic location: 16p13.3.
Variant type: single nucleotide variant.
Coding change: c.6018G>C on transcript NM_001009944.3 (MANE Select); coding-DNA position 6018, G replaced by C.
Protein change: p.Trp2006Cys; replaces tryptophan 2006 with cysteine.
Molecular consequence: missense variant.
Genome position (GRCh38, 1-based): chr16:2,109,149, C>G on the plus strand (G>C on the coding strand, the complement: PKD1 is on the minus strand). VCF-style: chr16-2109149-C-G. GRCh37 (hg19) VCF-style: chr16-2159150-C-G.
Other names: c.6018G>C, p.Trp2006Cys (NM_000296.4); short protein forms W2006C.
Identifiers: ClinVar variation 3253234 (VCV003253234.1), dbSNP rs2544806700.